The following is an entry in ClinVar:

ClinVar aggregate classification (germline): Uncertain significance (1 of 4 stars; one submission).

Submission:

CeGaT Center for Human Genetics Tuebingen
Classification: Uncertain significance. Last evaluated: 2024-10-01. Review status: criteria provided, single submitter. Criteria: CeGaT Center For Human Genetics Tuebingen Variant Classification Criteria Version 2. Collection method: clinical testing. Allele origin: germline. Affected: yes. Observed: 1 variant allele.
Comment: GP1BA: PM2, BP4

NM_000173.7(GP1BA):c.1148C>A (p.Thr383Asn)

Gene: GP1BA (glycoprotein Ib platelet subunit alpha; plus strand). Cytogenetic location: 17p13.2.
Variant type: single nucleotide variant.
Coding change: c.1148C>A on transcript NM_000173.7 (MANE Select); coding-DNA position 1148, C replaced by A.
Protein change: p.Thr383Asn; replaces threonine 383 with asparagine.
Molecular consequence: missense variant.
Genome position (GRCh38, 1-based): chr17:4,933,752, C>A. VCF-style: chr17-4933752-C-A. GRCh37 (hg19) VCF-style: chr17-4837047-C-A.
Other names: short protein forms T383N.
Identifiers: ClinVar variation 3388996 (VCV003388996.14).